The following is an entry in ClinVar:

NM_000388.4(CASR):c.400C>T (p.His134Tyr)

Gene: CASR (calcium sensing receptor; plus strand). Cytogenetic location: 3q21.1.
Variant type: single nucleotide variant.
Coding change: c.400C>T on transcript NM_000388.4 (MANE Select); coding-DNA position 400, C replaced by T.
Protein change: p.His134Tyr; replaces histidine 134 with tyrosine.
Molecular consequence: missense variant.
Genome position (GRCh38, 1-based): chr3:122,257,295, C>T. VCF-style: chr3-122257295-C-T. GRCh37 (hg19) VCF-style: chr3-121976142-C-T.
Other names: c.400C>T, p.His134Tyr (NM_001178065.2); short protein forms H134Y.
Identifiers: ClinVar variation 1000207 (VCV001000207.9), dbSNP rs2074565597, ClinGen allele CA354362822.
Genomic context (GRCh38, chr3:122,257,295, plus strand): 5'-TTTGTTGCTCAAAACAAAATTGATTCTTTGAACCTTGATGAGTTCTGCAACTGCTCAGAG[C>T]ACATTCCCTCTACGATTGCTGTGGTGGGAGCAACTGGCTCAGGCGTCTCCACGGCAGTGG-3'
Protein context (NP_000379.3, residues 124-144): NLDEFCNCSE[His134Tyr]IPSTIAVVGA

ClinVar aggregate classification (germline): Uncertain significance (1 of 4 stars; one submission).

Conditions:
Familial hypocalciuric hypercalcemia (FHH). Also called: Familial benign hypercalcemia. Identifiers: Orphanet 405, MedGen C1809471, MONDO:0018458.
Autosomal dominant hypocalcemia 1 (HYPOC1). Also called: HYPOCALCEMIA, FAMILIAL. Identifiers: MedGen C3715128, MONDO:0011013, OMIM 601198.

Submission:

Labcorp Genetics (formerly Invitae), Labcorp
Classification: Uncertain significance for Familial hypocalciuric hypercalcemia; Autosomal dominant hypocalcemia 1. Last evaluated: 2020-10-29. Review status: criteria provided, single submitter. Criteria: Invitae Variant Classification Sherloc (09022015). Collection method: clinical testing. Allele origin: germline.
Comment: In summary, the available evidence is currently insufficient to determine the role of this variant in disease. Therefore, it has been classified as a Variant of Uncertain Significance. Algorithms developed to predict the effect of missense changes on protein structure and function (SIFT, PolyPhen-2, Align-GVGD) all suggest that this variant is likely to be disruptive, but these predictions have not been confirmed by published functional studies and their clinical significance is uncertain. This variant has not been reported in the literature in individuals with CASR-related conditions. This variant is not present in population databases (ExAC no frequency). This sequence change replaces histidine with tyrosine at codon 134 of the CASR protein (p.His134Tyr). The histidine residue is highly conserved and there is a moderate physicochemical difference between histidine and tyrosine.